The following is an entry in ClinVar:

NM_000155.4(GALT):c.1128A>T (p.Ala376=)

Gene: GALT (galactose-1-phosphate uridylyltransferase; plus strand). Cytogenetic location: 9p13.3.
Variant type: single nucleotide variant.
Coding change: c.1128A>T on transcript NM_000155.4 (MANE Select); coding-DNA position 1128, A replaced by T.
Protein change: p.Ala376=; no amino-acid change (alanine 376 retained).
Molecular consequence: synonymous variant.
Genome position (GRCh38, 1-based): chr9:34,650,437, A>T. VCF-style: chr9-34650437-A-T. GRCh37 (hg19) VCF-style: chr9-34650434-A-T.
Other names: NM_000155.4(GALT):c.1128A>T; p.Ala376=; c.801A>T, p.Ala267= (NM_001258332.2).
Identifiers: ClinVar variation 632827 (VCV000632827.21), dbSNP rs781374930, ClinGen allele CA5036306.

ClinVar aggregate classification (germline): Likely benign. Review status: reviewed by expert panel (3 of 4 stars). 6 submissions from 6 submitters: Likely benign (1). 5 of the submissions do not count toward it. Last evaluated 2026-06-23.

Conditions:
Deficiency of UDPglucose-hexose-1-phosphate uridylyltransferase. Also called: Transferase Deficiency Galactosemia; GALT deficiency; Galactosemia, classic; GALACTOSE-1-PHOSPHATE URIDYLYLTRANSFERASE DEFICIENCY; GALACTOSEMIA I. Identifiers: Orphanet 352, Orphanet 79239, MedGen C0268151, MONDO:0009258, OMIM 230400.
Galactosemia. Also called: Galactose intolerance. Identifiers: Orphanet 352, MedGen C0016952, MONDO:0018116, HP:0004919. Disease mechanism: loss of function.
GALT-related disorder. Also called: GALT-related condition.

Allele frequency attached by ClinVar (database versions not stated): ExAC 0.00007; TOPMed 0.00008; gnomAD exomes 0.00010 and 0.00005; gnomAD 0.00005 and 0.00006.
gnomAD v4.1: 85 of 1,614,034 alleles (0.0053%); highest among the groups gnomAD compares: Non-Finnish European, 0.0014%; no homozygotes.

Submissions (6):

Clingen Galactosemia Variant Curation Expert Panel, ClinGen
Classification: Likely benign for Galactosemia. Last evaluated: 2026-06-23. Review status: reviewed by expert panel. Criteria: ClinGen Galactosemia ACMG Specifications GALT V1.1. Collection method: curation. Allele origin: germline. Inheritance: Autosomal recessive inheritance.
Comment: The c.1128A>T (p.Ala376=) variant (NM_000155.4) is a synonymous (silent) variant that is not predicted by SpliceAI to impact splicing. In addition, it occurs at a nucleotide that is not predicted to be involved in splicing and the codon usage is not predicted to be significantly different (BP4, BP7). The filtering allele frequency of the c.1128A>T variant in GALT is 0.000008780 for the European (non-Finnish) chromosomes by gnomAD v4.1.0, which is lower than the ClinGen Galactosemia threshold (≤ 0.0005) for PM2_Supporting, and therefore meets this criterion (PM2_Supporting). To our knowledge, this variant is not reported in the clinical literature in an affected individual. The Galactosemia VCEP does not consider PM2_Supporting as conflicting data with BP4 and BP7. Therefore, this variant meets the criteria to be classified as likely benign for galactosemia based on the ACMG/AMP criteria applied, as specified by the ClinGen Galactosemia VCEP: PM2_Supporting, BP4, BP7 (GALT specifications v1.0.0).

PreventionGenetics, part of Exact Sciences
Classification: Likely benign for GALT-related condition. Last evaluated: 2026-08-02. Review status: criteria provided, single submitter. Criteria: ACMG Guidelines, 2015. Collection method: clinical testing. Allele origin: germline. Not counted in ClinVar's aggregate classification.
Comment: This variant is classified as likely benign based on ACMG/AMP sequence variant interpretation guidelines (Richards et al. 2015 PMID: 25741868, with internal and published modifications).

Labcorp Genetics (formerly Invitae), Labcorp
Classification: Likely benign for Deficiency of UDPglucose-hexose-1-phosphate uridylyltransferase. Last evaluated: 2025-12-31. Review status: criteria provided, single submitter. Criteria: Invitae Variant Classification Sherloc (09022015). Collection method: clinical testing. Allele origin: germline. Not counted in ClinVar's aggregate classification.

Women's Health and Genetics/Laboratory Corporation of America, LabCorp
Classification: Likely benign. Last evaluated: 2019-08-28. Review status: criteria provided, single submitter. Criteria: LabCorp Variant Classification Summary - May 2015. Collection method: clinical testing. Allele origin: germline. Not counted in ClinVar's aggregate classification.

Illumina Laboratory Services, Illumina
Classification: Uncertain significance for Deficiency of UDPglucose-hexose-1-phosphate uridylyltransferase. Last evaluated: 2018-01-13. Review status: criteria provided, single submitter. Criteria: ICSL Variant Classification Criteria 13 December 2019. Collection method: clinical testing. Allele origin: germline. Not counted in ClinVar's aggregate classification.

Natera, Inc.
Classification: Likely benign for Galactosemia. Last evaluated: 2020-04-13. Review status: no assertion criteria provided. Collection method: clinical testing. Allele origin: germline. Not counted in ClinVar's aggregate classification.